The following is an entry in ClinVar:

ClinVar aggregate classification (germline): Uncertain significance (1 of 4 stars; one submission).

Conditions:
Ullrich congenital muscular dystrophy 2 (UCMD2). Identifiers: Orphanet 75840, MedGen C4225314, MONDO:0014654, OMIM 616470.
Bethlem myopathy 2 (BTHLM2). Identifiers: Orphanet 536516, Orphanet 610, MedGen C4225313, MONDO:0034022, OMIM 616471.

gnomAD v4.1: 3 of 1,614,118 alleles (0.00019%); highest among the groups gnomAD compares: Non-Finnish European, 0.00025%; no homozygotes.

Submission:

Labcorp Genetics (formerly Invitae), Labcorp
Classification: Uncertain significance for Bethlem myopathy 2; Ullrich congenital muscular dystrophy 2. Last evaluated: 2024-12-09. Review status: criteria provided, single submitter. Criteria: Invitae Variant Classification Sherloc (09022015). Collection method: clinical testing. Allele origin: germline.
Comment: This sequence change replaces arginine, which is basic and polar, with lysine, which is basic and polar, at codon 766 of the COL12A1 protein (p.Arg766Lys). This variant is not present in population databases (gnomAD no frequency). This variant has not been reported in the literature in individuals affected with COL12A1-related conditions. ClinVar contains an entry for this variant (Variation ID: 2923058). Invitae Evidence Modeling of protein sequence and biophysical properties (such as structural, functional, and spatial information, amino acid conservation, physicochemical variation, residue mobility, and thermodynamic stability) indicates that this missense variant is not expected to disrupt COL12A1 protein function with a negative predictive value of 80%. In summary, the available evidence is currently insufficient to determine the role of this variant in disease. Therefore, it has been classified as a Variant of Uncertain Significance.

NM_004370.6(COL12A1):c.2297G>A (p.Arg766Lys)

Gene: COL12A1 (collagen type XII alpha 1 chain; minus strand). Cytogenetic location: 6q13.
Variant type: single nucleotide variant.
Coding change: c.2297G>A on transcript NM_004370.6 (MANE Select); coding-DNA position 2297, G replaced by A.
Protein change: p.Arg766Lys; replaces arginine 766 with lysine.
Molecular consequence: missense variant. On other transcripts: intron variant (2).
Genome position (GRCh38, 1-based): chr6:75,177,803, C>T on the plus strand (G>A on the coding strand, the complement: COL12A1 is on the minus strand). VCF-style: chr6-75177803-C-T. GRCh37 (hg19) VCF-style: chr6-75887519-C-T.
Other names: c.2297G>A, p.Arg766Lys (NM_001424113.1, NM_001424114.1, NM_001424115.1); c.73+24917G>A (NM_001424116.1, NM_080645.3); short protein forms R766K.
Identifiers: ClinVar variation 2923058 (VCV002923058.3), dbSNP rs2533533787, ClinGen allele CA364764101.